The following is an entry in ClinVar:

NM_006031.6(PCNT):c.7429_7430del (p.Ser2477fs)

Gene: PCNT (pericentrin; plus strand). Cytogenetic location: 21q22.3.
Variant type: Deletion.
Coding change: c.7429_7430del on transcript NM_006031.6 (MANE Select); coding-DNA positions 7429 to 7430, 2 bases deleted (AG; older notation c.7429_7430delAG).
Protein change: p.Ser2477fs; shifts the reading frame from serine 2477.
Molecular consequence: frameshift variant.
Genome position (GRCh38, 1-based): chr21:46,427,730-46,427,731, AG deleted. VCF-style (leftmost placement, unchanged base first): chr21-46427729-CAG-C. GRCh37 (hg19) VCF-style: chr21-47847643-CAG-C.
Other names: c.7075_7076del, p.Ser2359fs (NM_001315529.2); short protein forms S2359fs, S2477fs.
Identifiers: ClinVar variation 2904126 (VCV002904126.3), dbSNP rs2087568378, ClinGen allele CA1022907552.

ClinVar aggregate classification (germline): Pathogenic (1 of 4 stars; one submission).

Allele frequency attached by ClinVar (database versions not stated): gnomAD exomes below 0.00001; gnomAD 0.00001.

Submission:

Labcorp Genetics (formerly Invitae), Labcorp
Classification: Pathogenic. Last evaluated: 2023-10-06. Review status: criteria provided, single submitter. Criteria: Invitae Variant Classification Sherloc (09022015). Collection method: clinical testing. Allele origin: germline.
Comment: This sequence change creates a premature translational stop signal (p.Ser2477Trpfs*20) in the PCNT gene. It is expected to result in an absent or disrupted protein product. Loss-of-function variants in PCNT are known to be pathogenic (PMID: 18174396, 22821869). This variant is not present in population databases (gnomAD no frequency). This variant has not been reported in the literature in individuals affected with PCNT-related conditions. For these reasons, this variant has been classified as Pathogenic.

Literature cited by the submitters: PubMed 18174396; PubMed 22821869.